The following is an entry in ClinVar:

ClinVar aggregate classification (germline): Uncertain significance (1 of 4 stars; one submission).

Conditions:
Neurodevelopmental disorder with or without hyperkinetic movements and seizures, autosomal recessive. Identifiers: MedGen C4693325, MONDO:0060629, OMIM 617820.

gnomAD v4.1: 1 of 1,610,182 alleles (0.000062%); highest among the groups gnomAD compares: Non-Finnish European, 0.000085%; no homozygotes.

Submission:

Centre for Mendelian Genomics, University Medical Centre Ljubljana
Classification: Uncertain significance for Neurodevelopmental disorder with or without hyperkinetic movements and seizures, autosomal recessive. Last evaluated: 2019-08-20. Review status: criteria provided, single submitter. Criteria: ACMG Guidelines, 2015. Collection method: clinical testing. Allele origin: unknown. Affected: yes.
Comment: This variant was classified as: Uncertain significance. The available evidence on this variant's pathogenicity is insufficient or conflicting. The following ACMG criteria were applied in classifying this variant: PM2.

NM_007327.4(GRIN1):c.1864+20G>C

Gene: GRIN1 (glutamate ionotropic receptor NMDA type subunit 1; plus strand). Cytogenetic location: 9q34.3.
Variant type: single nucleotide variant.
Coding change: c.1864+20G>C on transcript NM_007327.4 (MANE Select); 20 bases into the intron after coding-DNA position 1864, G replaced by C.
Molecular consequence: intron variant.
Genome position (GRCh38, 1-based): chr9:137,162,536, G>C. VCF-style: chr9-137162536-G-C. GRCh37 (hg19) VCF-style: chr9-140056988-G-C.
Other names: c.1927+20G>C (NM_001185090.2, NM_001185091.2); c.1864+20G>C (NM_021569.4, NM_000832.7).
Identifiers: ClinVar variation 931371 (VCV000931371.3), dbSNP rs1833616244, ClinGen allele CA1139661358.